The following is an entry in ClinVar:

ClinVar aggregate classification (germline): Uncertain significance (1 of 4 stars; one submission).

Conditions:
Frasier syndrome. Identifiers: Orphanet 347, MedGen C0950122, MeSH D052159, MONDO:0007635, OMIM 136680.
Wilms tumor 1 (WT1). Also called: Wilms tumor, somatic. Identifiers: Orphanet 654, MedGen CN033288, MONDO:0008679, OMIM 194070.
Drash syndrome (DDS). Also called: WILMS TUMOR AND PSEUDO- OR TRUE HERMAPHRODITISM; NEPHROPATHY, WILMS TUMOR, AND GENITAL ANOMALIES. Identifiers: Orphanet 220, MedGen C0950121, MONDO:0008682, OMIM 194080.
11p partial monosomy syndrome (WAGR). Also called: WAGR Complex; CHROMOSOME 11p13 DELETION SYNDROME; WAGR Spectrum Disorder; WAGR syndrome. Identifiers: Orphanet 893, MedGen C0206115, MONDO:0008681, OMIM 194072.

Submission:

Labcorp Genetics (formerly Invitae), Labcorp
Classification: Uncertain significance for Wilms tumor 1; Drash syndrome; 11p partial monosomy syndrome; Frasier syndrome. Last evaluated: 2022-02-11. Review status: criteria provided, single submitter. Criteria: Invitae Variant Classification Sherloc (09022015). Collection method: clinical testing. Allele origin: germline.
Comment: In summary, the available evidence is currently insufficient to determine the role of this variant in disease. Therefore, it has been classified as a Variant of Uncertain Significance. Algorithms developed to predict the effect of sequence changes on RNA splicing suggest that this variant may create or strengthen a splice site. Algorithms developed to predict the effect of missense changes on protein structure and function are either unavailable or do not agree on the potential impact of this missense change (SIFT: "Deleterious"; PolyPhen-2: "Benign"; Align-GVGD: "Class C55"). ClinVar contains an entry for this variant (Variation ID: 1022575). This variant has not been reported in the literature in individuals affected with WT1-related conditions. This variant is not present in population databases (gnomAD no frequency). This sequence change replaces alanine, which is neutral and non-polar, with valine, which is neutral and non-polar, at codon 193 of the WT1 protein (p.Ala193Val).

NM_024426.6(WT1):c.593C>T (p.Ala198Val)

Genes: WT1 (WT1 transcription factor; minus strand), LOC107982234 (WT1/WT1-AS bi-directional promoter region; plus strand). Cytogenetic location: 11p13.
Variant type: single nucleotide variant.
Coding change: c.593C>T on transcript NM_024426.6 (MANE Select); coding-DNA position 593, C replaced by T.
Protein change: p.Ala198Val; replaces alanine 198 with valine.
Molecular consequence: missense variant. On other transcripts: non-coding transcript variant (1).
Genome position (GRCh38, 1-based): chr11:32,434,768, G>A on the plus strand (C>T on the coding strand, the complement: WT1 is on the minus strand). VCF-style: chr11-32434768-G-A. GRCh37 (hg19) VCF-style: chr11-32456314-G-A.
Other names: c.593C>T, p.Ala198Val (NM_000378.6, NM_024424.5); short protein forms A198V.
Identifiers: ClinVar variation 1022575 (VCV001022575.9), dbSNP rs1853436133, ClinGen allele CA379964573.